The following is an entry in ClinVar:

NM_198253.3(TERT):c.653C>A (p.Ala218Asp)

Gene: TERT (telomerase reverse transcriptase; minus strand). Cytogenetic location: 5p15.33.
Variant type: single nucleotide variant.
Coding change: c.653C>A on transcript NM_198253.3 (MANE Select); coding-DNA position 653, C replaced by A.
Protein change: p.Ala218Asp; replaces alanine 218 with aspartic acid.
Molecular consequence: missense variant. On other transcripts: non-coding transcript variant (2).
Genome position (GRCh38, 1-based): chr5:1,294,233, G>T on the plus strand (C>A on the coding strand, the complement: TERT is on the minus strand). VCF-style: chr5-1294233-G-T. GRCh37 (hg19) VCF-style: chr5-1294348-G-T.
Other names: c.653C>A, p.Ala218Asp (NM_001193376.3); short protein forms A218D.
Identifiers: ClinVar variation 863269 (VCV000863269.10), dbSNP rs1751222229, ClinGen allele CA359057097.

ClinVar aggregate classification (germline): Uncertain significance (1 of 4 stars; one submission).

Conditions:
Idiopathic Pulmonary Fibrosis. Also called: Idiopathic fibrosing alveolitis, chronic form; idiopathic fibrosing alveolitis. Identifiers: Orphanet 2032, MedGen C1800706, MeSH D054990, MONDO:0800504.
Dyskeratosis congenita, autosomal dominant 2. Identifiers: MedGen C3151443, MONDO:0013521, OMIM 613989.

Submission:

Labcorp Genetics (formerly Invitae), Labcorp
Classification: Uncertain significance for Dyskeratosis congenita, autosomal dominant 2; Idiopathic Pulmonary Fibrosis. Last evaluated: 2020-07-02. Review status: criteria provided, single submitter. Criteria: Invitae Variant Classification Sherloc (09022015). Collection method: clinical testing. Allele origin: germline.
Comment: In summary, the available evidence is currently insufficient to determine the role of this variant in disease. Therefore, it has been classified as a Variant of Uncertain Significance. Algorithms developed to predict the effect of missense changes on protein structure and function (SIFT, PolyPhen-2, Align-GVGD) all suggest that this variant is likely to be tolerated, but these predictions have not been confirmed by published functional studies and their clinical significance is uncertain. This variant has not been reported in the literature in individuals with TERT-related conditions. This variant is not present in population databases (ExAC no frequency). This sequence change replaces alanine with aspartic acid at codon 218 of the TERT protein (p.Ala218Asp). The alanine residue is weakly conserved and there is a moderate physicochemical difference between alanine and aspartic acid.